The following is an entry in ClinVar:

NM_002693.3(POLG):c.2115G>A (p.Met705Ile)

Gene: POLG (DNA polymerase gamma, catalytic subunit; minus strand). Cytogenetic location: 15q26.1.
Variant type: single nucleotide variant.
Coding change: c.2115G>A on transcript NM_002693.3 (MANE Select); coding-DNA position 2115, G replaced by A.
Protein change: p.Met705Ile; replaces methionine 705 with isoleucine.
Molecular consequence: missense variant.
Genome position (GRCh38, 1-based): chr15:89,323,857, C>T on the plus strand (G>A on the coding strand, the complement: POLG is on the minus strand). VCF-style: chr15-89323857-C-T. GRCh37 (hg19) VCF-style: chr15-89867088-C-T.
Other names: c.2115G>A, p.Met705Ile (NM_001126131.2); short protein forms M705I.
Identifiers: ClinVar variation 941768 (VCV000941768.11), dbSNP rs1302161574, ClinGen allele CA393757158.

ClinVar aggregate classification (germline): Uncertain significance. Review status: criteria provided, multiple submitters, no conflicts (2 of 4 stars). 2 submissions from 2 submitters: Uncertain significance (2). Last evaluated 2024-05-22.

Conditions:
Progressive sclerosing poliodystrophy (MTDPS4A). Also called: NEURONAL DEGENERATION OF CHILDHOOD WITH LIVER DISEASE, PROGRESSIVE; ALPERS PROGRESSIVE INFANTILE POLIODYSTROPHY; Mitochondrial DNA Depletion Syndrome 4A; Alpers-Huttenlocher Syndrome (AHS); Alpers Syndrome; ALPERS DIFFUSE DEGENERATION OF CEREBRAL GRAY MATTER WITH HEPATIC CIRRHOSIS. Identifiers: Orphanet 726, MedGen C0205710, MONDO:0008758, OMIM 203700.

Allele frequency attached by ClinVar (database versions not stated): gnomAD exomes below 0.00001; gnomAD 0.00002; TOPMed 0.00002.

Submissions (2):

Labcorp Genetics (formerly Invitae), Labcorp
Classification: Uncertain significance for Progressive sclerosing poliodystrophy. Last evaluated: 2024-05-22. Review status: criteria provided, single submitter. Criteria: Invitae Variant Classification Sherloc (09022015). Collection method: clinical testing. Allele origin: germline.
Comment: This sequence change replaces methionine, which is neutral and non-polar, with isoleucine, which is neutral and non-polar, at codon 705 of the POLG protein (p.Met705Ile). This variant is not present in population databases (gnomAD no frequency). This missense change has been observed in individual(s) with clinical features of POLG-related conditions (PMID: 35861376). ClinVar contains an entry for this variant (Variation ID: 941768). Advanced modeling of protein sequence and biophysical properties (such as structural, functional, and spatial information, amino acid conservation, physicochemical variation, residue mobility, and thermodynamic stability) performed at Invitae indicates that this missense variant is not expected to disrupt POLG protein function with a negative predictive value of 95%. In summary, the available evidence is currently insufficient to determine the role of this variant in disease. Therefore, it has been classified as a Variant of Uncertain Significance.

Baylor Genetics
Classification: Uncertain significance for Progressive sclerosing poliodystrophy. Last evaluated: 2019-10-08. Review status: criteria provided, single submitter. Criteria: ACMG Guidelines, 2015. Collection method: clinical testing. Allele origin: paternal. Affected: yes. Study: CSER-TexasKidsCanSeq.
Comment: This variant was determined to be of uncertain significance according to ACMG Guidelines, 2015 [PMID:25741868].

Literature cited by the submitters: PubMed 35861376 (cited by Labcorp Genetics (formerly Invitae), Labcorp).